The following is an entry in ClinVar:

ClinVar aggregate classification (germline): Likely benign (0 of 4 stars; one submission).

Conditions:
PRRX1-related disorder. Also called: PRRX1-related condition.

Allele frequency attached by ClinVar (database versions not stated): ExAC 0.00006; ESP Exome Variant Server 0.00023.
gnomAD v4.1: 278 of 1,610,546 alleles (0.017%); highest among the groups gnomAD compares: Non-Finnish European, 0.022%; no homozygotes.

Submission:

PreventionGenetics, part of Exact Sciences
Classification: Likely benign for PRRX1-related condition. Last evaluated: 2019-09-17. Review status: no assertion criteria provided. Collection method: clinical testing. Allele origin: germline.
Comment: This variant is classified as likely benign based on ACMG/AMP sequence variant interpretation guidelines (Richards et al. 2015 PMID: 25741868, with internal and published modifications).

NM_022716.4(PRRX1):c.599+3931C>T

Gene: PRRX1 (paired related homeobox 1; plus strand). Cytogenetic location: 1q24.2.
Variant type: single nucleotide variant.
Coding change: c.599+3931C>T on transcript NM_022716.4 (MANE Select); 3931 bases into the intron after coding-DNA position 599, C replaced by T.
Molecular consequence: intron variant. On other transcripts: 3 prime UTR variant (1).
Genome position (GRCh38, 1-based): chr1:170,730,332, C>T. VCF-style: chr1-170730332-C-T. GRCh37 (hg19) VCF-style: chr1-170699473-C-T.
Other names: c.*1C>T (NM_006902.5).
Identifiers: ClinVar variation 3040998 (VCV003040998.2), dbSNP rs146552721, ClinGen allele CA1239585.